The following is an entry in ClinVar:

NM_000540.3(RYR1):c.8239A>C (p.Ile2747Leu)

Gene: RYR1 (ryanodine receptor 1; plus strand). Cytogenetic location: 19q13.2.
Variant type: single nucleotide variant.
Coding change: c.8239A>C on transcript NM_000540.3 (MANE Select); coding-DNA position 8239, A replaced by C.
Protein change: p.Ile2747Leu; replaces isoleucine 2747 with leucine.
Molecular consequence: missense variant.
Genome position (GRCh38, 1-based): chr19:38,505,010, A>C. VCF-style: chr19-38505010-A-C. GRCh37 (hg19) VCF-style: chr19-38995650-A-C.
Other names: c.8239A>C, p.Ile2747Leu (NM_001042723.2); short protein forms I2747L.
Identifiers: ClinVar variation 2435567 (VCV002435567.5), dbSNP rs2514355993, ClinGen allele CA405677089.

ClinVar aggregate classification (germline): Uncertain significance. Review status: criteria provided, multiple submitters, no conflicts (2 of 4 stars). 2 submissions from 2 submitters: Uncertain significance (2). Last evaluated 2024-04-16.

Conditions:
RYR1-related disorder. Also called: RYR1-related condition; RYR1-related disorders. Identifiers: MedGen CN239331.

Submissions (2):

Labcorp Genetics (formerly Invitae), Labcorp
Classification: Uncertain significance for RYR1-related disorder. Last evaluated: 2024-04-16. Review status: criteria provided, single submitter. Criteria: Invitae Variant Classification Sherloc (09022015). Collection method: clinical testing. Allele origin: germline.
Comment: This sequence change replaces isoleucine, which is neutral and non-polar, with leucine, which is neutral and non-polar, at codon 2747 of the RYR1 protein (p.Ile2747Leu). This variant is not present in population databases (gnomAD no frequency). This variant has not been reported in the literature in individuals affected with RYR1-related conditions. ClinVar contains an entry for this variant (Variation ID: 2435567). Advanced modeling of protein sequence and biophysical properties (such as structural, functional, and spatial information, amino acid conservation, physicochemical variation, residue mobility, and thermodynamic stability) performed at Invitae indicates that this missense variant is not expected to disrupt RYR1 protein function with a negative predictive value of 95%. In summary, the available evidence is currently insufficient to determine the role of this variant in disease. Therefore, it has been classified as a Variant of Uncertain Significance.

Revvity Omics, Revvity
Classification: Uncertain significance. Last evaluated: 2021-03-24. Review status: criteria provided, single submitter. Criteria: ACMG Guidelines, 2015. Collection method: clinical testing. Allele origin: germline.